The following is an entry in ClinVar:

NM_000051.4(ATM):c.1055T>C (p.Ile352Thr)

Gene: ATM (ATM serine/threonine kinase; plus strand). Cytogenetic location: 11q22.3.
Variant type: single nucleotide variant.
Coding change: c.1055T>C on transcript NM_000051.4 (MANE Select); coding-DNA position 1055, T replaced by C.
Protein change: p.Ile352Thr; replaces isoleucine 352 with threonine.
Molecular consequence: missense variant.
Genome position (GRCh38, 1-based): chr11:108,247,117, T>C. VCF-style: chr11-108247117-T-C. GRCh37 (hg19) VCF-style: chr11-108117844-T-C.
Other names: c.1055T>C, p.Ile352Thr (NM_001351834.2); short protein forms I352T.
Identifiers: ClinVar variation 420755 (VCV000420755.22), dbSNP rs369203092, ClinGen allele CA6264730.

ClinVar aggregate classification (germline): Uncertain significance. Review status: criteria provided, multiple submitters, no conflicts (2 of 4 stars). 5 submissions from 5 submitters: Uncertain significance (4). 1 of the submissions does not count toward it. Last evaluated 2026-09-25.

Conditions:
Hereditary cancer-predisposing syndrome. Also called: Tumor predisposition; Neoplastic Syndromes, Hereditary; Hereditary Cancer Syndrome; Hereditary neoplastic syndrome. Identifiers: Orphanet 140162, MedGen C0027672, MeSH D009386, MONDO:0015356.
Ataxia-telangiectasia syndrome (AT). Also called: Ataxia-telangiectasia, complementation group D; AT, COMPLEMENTATION GROUP C; Cerebello-oculocutaneous telangiectasia; Immunodeficiency with ataxia telangiectasia; Ataxia-telangiectasia, complementation group E; Ataxia telangiectasia (A-T). Identifiers: Orphanet 100, MedGen C0004135, MONDO:0008840, OMIM 208900.

Allele frequency attached by ClinVar (database versions not stated): gnomAD exomes 0.00001 and below 0.00001; ESP Exome Variant Server 0.00008; TOPMed 0.00002; ExAC 0.00002.
gnomAD v4.1: 2 of 1,613,794 alleles (0.00012%); highest among the groups gnomAD compares: Non-Finnish European, 0.00017%; no homozygotes.

Submissions (5):

GeneDx
Classification: Uncertain significance. Last evaluated: 2026-09-25. Review status: criteria provided, single submitter. Criteria: GeneDx Variant Classification Process June 2021. Collection method: clinical testing. Allele origin: germline.
Comment: Identified in individuals with prostate cancer (PMID: 33436325); In silico analysis supports that this missense variant has a deleterious effect on protein structure/function; Not observed at significant frequency in large population cohorts (gnomAD); This variant is associated with the following publications: (PMID: 10023947, 12875964, 12400598, 22529920, 33436325)

Labcorp Genetics (formerly Invitae), Labcorp
Classification: Uncertain significance for Ataxia-telangiectasia syndrome. Last evaluated: 2025-07-27. Review status: criteria provided, single submitter. Criteria: Invitae Variant Classification Sherloc (09022015). Collection method: clinical testing. Allele origin: germline.
Comment: This sequence change replaces isoleucine, which is neutral and non-polar, with threonine, which is neutral and polar, at codon 352 of the ATM protein (p.Ile352Thr). This variant is present in population databases (rs369203092, gnomAD 0.002%). This missense change has been observed in individual(s) with prostate cancer (PMID: 33436325). ClinVar contains an entry for this variant (Variation ID: 420755). Invitae Evidence Modeling of protein sequence and biophysical properties (such as structural, functional, and spatial information, amino acid conservation, physicochemical variation, residue mobility, and thermodynamic stability) indicates that this missense variant is not expected to disrupt ATM protein function with a negative predictive value of 95%. In summary, the available evidence is currently insufficient to determine the role of this variant in disease. Therefore, it has been classified as a Variant of Uncertain Significance.

Ambry Genetics
Classification: Uncertain significance for Hereditary cancer-predisposing syndrome. Last evaluated: 2024-01-02. Review status: criteria provided, single submitter. Criteria: Ambry Variant Classification Scheme 2023. Collection method: clinical testing. Allele origin: germline.
Comment: The p.I352T variant (also known as c.1055T>C), located in coding exon 7 of the ATM gene, results from a T to C substitution at nucleotide position 1055. The isoleucine at codon 352 is replaced by threonine, an amino acid with similar properties. This variant was reported in 1/5560 prostate cancer cases and in 0/3353 controls of European ancestry (Karlsson Q et al. Eur Urol Oncol, 2021 Aug;4:570-579). This amino acid position is not well conserved in available vertebrate species. In addition, the in silico prediction for this alteration is inconclusive. Since supporting evidence is limited at this time, the clinical significance of this alteration remains unclear.

Color Diagnostics, LLC DBA Color Health
Classification: Uncertain significance for Hereditary cancer-predisposing syndrome. Last evaluated: 2023-06-13. Review status: criteria provided, single submitter. Criteria: ACMG Guidelines, 2015. Collection method: clinical testing. Allele origin: germline.
Comment: This missense variant replaces isoleucine with threonine at codon 352 of the ATM protein. Computational prediction suggests that this variant may not impact protein structure and function (internally defined REVEL score threshold <= 0.5, PMID: 27666373). To our knowledge, functional studies have not been reported for this variant. In a large case-control study in individuals of European ancestry, this variant was reported in 1/5560 prostate cancer cases and absent in 3353 unaffected controls (PMID: 33436325). This variant has been identified in 2/251130 chromosomes in the general population by the Genome Aggregation Database (gnomAD). The available evidence is insufficient to determine the role of this variant in disease conclusively. Therefore, this variant is classified as a Variant of Uncertain Significance.

Natera, Inc.
Classification: Uncertain significance for Ataxia-telangiectasia. Last evaluated: 2025-02-24. Review status: no assertion criteria provided. Collection method: clinical testing. Allele origin: germline. Not counted in ClinVar's aggregate classification.

Literature cited by the submitters: PubMed 33436325 (cited by 3 submitters).